The following is an entry in ClinVar:

NM_182914.3(SYNE2):c.20424G>A (p.Ser6808=)

Gene: SYNE2 (spectrin repeat containing nuclear envelope protein 2; plus strand). Cytogenetic location: 14q23.2.
Variant type: single nucleotide variant.
Coding change: c.20424G>A on transcript NM_182914.3 (MANE Select); coding-DNA position 20424, G replaced by A.
Protein change: p.Ser6808=; no amino-acid change (serine 6808 retained).
Molecular consequence: synonymous variant.
Genome position (GRCh38, 1-based): chr14:64,224,502, G>A. VCF-style: chr14-64224502-G-A. GRCh37 (hg19) VCF-style: chr14-64691220-G-A.
Other names: c.20355G>A, p.Ser6785= (NM_015180.6); c.990G>A, p.Ser330= (NM_182910.2); c.1368G>A, p.Ser456= (NM_182913.4).
Identifiers: ClinVar variation 313664 (VCV000313664.40), dbSNP rs187841473, ClinGen allele CA7224862.

ClinVar aggregate classification (germline): Benign/Likely benign. Review status: criteria provided, multiple submitters, no conflicts (2 of 4 stars). 4 submissions from 4 submitters: Benign (2); Likely benign (2). Last evaluated 2025-09-10.

Conditions:
Emery-Dreifuss muscular dystrophy 5, autosomal dominant (EDMD5). Also called: EMERY-DREIFUSS MUSCULAR DYSTROPHY 5. Identifiers: Orphanet 261, MedGen C2751805, MONDO:0013072, OMIM 612999.

Allele frequency attached by ClinVar (database versions not stated): TOPMed 0.00020; ExAC 0.00024; gnomAD exomes 0.00027; 1000 Genomes Project 0.00140; 1000 Genomes Project 30x 0.00156.
gnomAD v4.1: 131 of 1,614,062 alleles (0.0081%); highest among the groups gnomAD compares: East Asian, 0.17%; no homozygotes.

Submissions (4):

Labcorp Genetics (formerly Invitae), Labcorp
Classification: Benign for Emery-Dreifuss muscular dystrophy 5, autosomal dominant. Last evaluated: 2025-09-10. Review status: criteria provided, single submitter. Criteria: Invitae Variant Classification Sherloc (09022015). Collection method: clinical testing. Allele origin: germline.

Blueprint Genetics
Classification: Likely benign. Last evaluated: 2024-09-12. Review status: criteria provided, single submitter. Criteria: ACMG Guidelines, 2015. Collection method: clinical testing. Allele origin: germline.

CeGaT Center for Human Genetics Tuebingen
Classification: Likely benign. Last evaluated: 2023-05-01. Review status: criteria provided, single submitter. Criteria: CeGaT Center For Human Genetics Tuebingen Variant Classification Criteria Version 2. Collection method: clinical testing. Allele origin: germline. Affected: yes. Observed: 1 variant allele.
Comment: SYNE2: BP4, BP7

Illumina Laboratory Services, Illumina
Classification: Benign for Emery-Dreifuss muscular dystrophy 5, autosomal dominant. Last evaluated: 2018-01-13. Review status: criteria provided, single submitter. Criteria: ICSL Variant Classification Criteria 13 December 2019. Collection method: clinical testing. Allele origin: germline.
Comment: This variant was observed in the ICSL laboratory as part of a predisposition screen in an ostensibly healthy population. It had not been previously curated by ICSL or reported in the Human Gene Mutation Database (HGMD: prior to June 1st, 2018), and was therefore a candidate for classification through an automated scoring system. Utilizing variant allele frequency, disease prevalence and penetrance estimates, and inheritance mode, an automated score was calculated to assess if this variant is too frequent to cause the disease. Based on the score and internal cut-off values, a variant classified as benign is not then subjected to further curation. The score for this variant resulted in a classification of benign for this disease.